The following is an entry in ClinVar:

NM_018979.4(WNK1):c.2373+21dup

Gene: WNK1 (WNK lysine deficient protein kinase 1; plus strand). Cytogenetic location: 12p13.33.
Variant type: Duplication.
Coding change: c.2373+21dup on transcript NM_018979.4 (MANE Select); 21 bases into the intron after coding-DNA position 2373, one base duplicated (T; older notation c.2373+21dupT).
Molecular consequence: intron variant.
Genome position (GRCh38, 1-based): chr12:878,382, T duplicated; the last of 15 consecutive T bases (chr12:878,368-878,382); duplicating any one gives the same sequence. VCF-style (leftmost placement, unchanged base first): chr12-878367-C-CT. GRCh37 (hg19) VCF-style: chr12-987533-C-CT.
Other names: p.?; c.3867+21dup (NM_213655.5); c.3612+21dup (NM_001184985.2); c.2370+21dup (NM_014823.3).
Identifiers: ClinVar variation 218533 (VCV000218533.13), dbSNP rs5795952, ClinGen allele CA248935.

ClinVar aggregate classification (germline): Benign. Review status: criteria provided, multiple submitters, no conflicts (2 of 4 stars). 9 submissions from 9 submitters: Benign (7). 2 of the submissions do not count toward it. Last evaluated 2025-02-16.

Conditions:
Neuropathy, hereditary sensory and autonomic, type 2A (HSAN2A). Also called: HSAN IIA; WNK1-Related HSAN2 (HSAN2A); ACROOSTEOLYSIS, GIACCAI TYPE; ACROOSTEOLYSIS, NEUROGENIC; MORVAN DISEASE; NEUROPATHY, CONGENITAL SENSORY. Identifiers: Orphanet 970, MedGen C2752089, MONDO:0024309, OMIM 201300.

Submissions (9):

Laboratory of Genetics, Children's Clinical University Hospital Latvia
Classification: Benign. Last evaluated: 2025-02-16. Review status: criteria provided, single submitter. Criteria: ACMG Guidelines, 2015. Collection method: clinical testing. Allele origin: germline. Affected: yes.

Blueprint Genetics
Classification: Benign. Last evaluated: 2024-11-27. Review status: criteria provided, single submitter. Criteria: ACMG Guidelines, 2015. Collection method: clinical testing. Allele origin: germline.

Mayo Clinic Laboratories, Mayo Clinic
Classification: Benign. Last evaluated: 2022-09-23. Review status: criteria provided, single submitter. Criteria: ACMG Guidelines, 2015. Collection method: clinical testing. Allele origin: germline. Observed: 2,132 variant alleles.
Comment: BA1, BP4, BP7

Genome-Nilou Lab
Classification: Benign for Neuropathy, hereditary sensory and autonomic, type 2A. Last evaluated: 2021-07-14. Review status: criteria provided, single submitter. Criteria: ACMG Guidelines, 2015. Collection method: clinical testing. Allele origin: germline. Affected: no.

GeneDx
Classification: Benign. Last evaluated: 2019-08-10. Review status: criteria provided, single submitter. Criteria: GeneDx Variant Classification Process June 2021. Collection method: clinical testing. Allele origin: germline. Affected: yes.

Labcorp Genetics (formerly Invitae), Labcorp
Classification: Benign. Last evaluated: 2017-08-16. Review status: criteria provided, single submitter. Criteria: Invitae Variant Classification Sherloc (09022015). Collection method: clinical testing. Allele origin: germline.

Genomic Diagnostic Laboratory, Division of Genomic Diagnostics, Children's Hospital of Philadelphia
Classification: Benign. Last evaluated: 2015-04-17. Review status: criteria provided, single submitter. Criteria: DGD Variant Analysis Guidelines. Collection method: clinical testing. Allele origin: unknown.

Clinical Genetics, Academic Medical Center
Classification: Benign. Review status: no assertion criteria provided. Collection method: clinical testing. Allele origin: germline. Affected: yes. Study: VKGL Data-share Consensus. Not counted in ClinVar's aggregate classification.

Genome Diagnostics Laboratory, University Medical Center Utrecht
Classification: Benign. Review status: no assertion criteria provided. Collection method: clinical testing. Allele origin: germline. Affected: yes. Study: VKGL Data-share Consensus. Not counted in ClinVar's aggregate classification.